The following is an entry in ClinVar:

NM_000548.5(TSC2):c.1764_1765del (p.Glu588fs)

Gene: TSC2 (TSC complex subunit 2; plus strand). Cytogenetic location: 16p13.3.
Variant type: Microsatellite.
Coding change: c.1764_1765del on transcript NM_000548.5 (MANE Select); coding-DNA positions 1764 to 1765, 2 bases deleted (GA; older notation c.1764_1765delGA).
Protein change: p.Glu588fs; shifts the reading frame from glutamic acid 588.
Molecular consequence: frameshift variant.
Genome position (GRCh38, 1-based): chr16:2,070,503-2,070,504, GA deleted; deleting any 2 consecutive bases within chr16:2,070,501-2,070,504 gives the same sequence; the c. name uses the placement nearest the transcript's 3' end. VCF-style (leftmost placement, unchanged base first): chr16-2070500-TGA-T. GRCh37 (hg19) VCF-style: chr16-2120501-TGA-T.
Other names: c.1764_1765del, p.Glu588fs (NM_001077183.3, NM_001114382.3, NM_001363528.2 and 3 more transcripts); c.1653_1654del, p.Glu551fs (NM_001318827.2); c.1617_1618del, p.Glu539fs (NM_001318829.2); c.1164_1165del, p.Glu388fs (NM_001318831.2); c.1797_1798del, p.Glu599fs (NM_001318832.2); short protein forms E588fs, E388fs, E551fs, E539fs, E599fs.
Identifiers: ClinVar variation 467893 (VCV000467893.9), dbSNP rs1555505103, ClinGen allele CA658658366.

ClinVar aggregate classification (germline): Pathogenic. Review status: criteria provided, multiple submitters, no conflicts (2 of 4 stars). 2 submissions from 2 submitters: Pathogenic (2). Last evaluated 2021-07-01.

Conditions:
Tuberous sclerosis 2 (TSC2). Identifiers: Orphanet 805, MedGen C1860707, MONDO:0013199, OMIM 613254.
Hereditary cancer-predisposing syndrome. Also called: Hereditary neoplastic syndrome; Neoplastic Syndromes, Hereditary; Tumor predisposition; Hereditary Cancer Syndrome. Identifiers: Orphanet 140162, MedGen C0027672, MeSH D009386, MONDO:0015356.

Submissions (2):

Ambry Genetics
Classification: Pathogenic for Hereditary cancer-predisposing syndrome. Last evaluated: 2021-07-01. Review status: criteria provided, single submitter. Criteria: Ambry Variant Classification Scheme 2023. Collection method: clinical testing. Allele origin: germline.
Comment: The c.1764_1765delGA variant, located in coding exon 16 of the TSC2 gene, results from a deletion of two nucleotides at nucleotide positions 1764 to 1765, causing a translational frameshift with a predicted alternate stop codon (p.E588Dfs*28). This alteration is expected to result in loss of function by premature protein truncation or nonsense-mediated mRNA decay. As such, this alteration is interpreted as a disease-causing mutation.

Labcorp Genetics (formerly Invitae), Labcorp
Classification: Pathogenic for Tuberous sclerosis 2. Last evaluated: 2017-04-30. Review status: criteria provided, single submitter. Criteria: Invitae Variant Classification Sherloc (09022015). Collection method: clinical testing. Allele origin: germline.
Comment: For these reasons, this variant has been classified as Pathogenic. While this particular variant has not been reported in the literature, loss-of-function variants in TSC2 are known to be pathogenic (PMID: 10205261, 17304050). This sequence change deletes 2 nucleotides from exon 17 of the TSC2 mRNA (c.1764_1765delGA), causing a frameshift at codon 588. This creates a premature translational stop signal (p.Glu588Aspfs*28) and is expected to result in an absent or disrupted protein product.

Literature cited by the submitters: PubMed 10205261 (cited by Labcorp Genetics (formerly Invitae), Labcorp); PubMed 17304050 (cited by Labcorp Genetics (formerly Invitae), Labcorp).